The following is an entry in ClinVar:

ClinVar aggregate classification (germline): Benign (1 of 4 stars; one submission).

Conditions:
Growth delay due to insulin-like growth factor type 1 deficiency (IGF1D). Also called: GROWTH RETARDATION WITH SENSORINEURAL DEAFNESS AND MENTAL RETARDATION; IGF1 DEFICIENCY. Identifiers: Orphanet 73272, MedGen C1837475, MONDO:0012110, OMIM 608747.

Allele frequency attached by ClinVar (database versions not stated): gnomAD 0.00017 and 0.00105; TOPMed 0.00032; gnomAD exomes 0.00286; 1000 Genomes Project 30x 0.00390; 1000 Genomes Project 0.00419.
gnomAD v4.1: 249 of 184,864 alleles (0.13%); highest among the groups gnomAD compares: South Asian, 2.8%; 9 homozygotes.

Submission:

Illumina Laboratory Services, Illumina
Classification: Benign for Growth delay due to insulin-like growth factor type 1 deficiency. Last evaluated: 2018-01-12. Review status: criteria provided, single submitter. Criteria: ICSL Variant Classification Criteria 13 December 2019. Collection method: clinical testing. Allele origin: germline.
Comment: This variant was observed in the ICSL laboratory as part of a predisposition screen in an ostensibly healthy population. It had not been previously curated by ICSL or reported in the Human Gene Mutation Database (HGMD: prior to June 1st, 2018), and was therefore a candidate for classification through an automated scoring system. Utilizing variant allele frequency, disease prevalence and penetrance estimates, and inheritance mode, an automated score was calculated to assess if this variant is too frequent to cause the disease. Based on the score and internal cut-off values, a variant classified as benign is not then subjected to further curation. The score for this variant resulted in a classification of benign for this disease.

NM_000618.5(IGF1):c.*306A>G

Genes: LINC02456 (long intergenic non-protein coding RNA 2456; plus strand), IGF1 (insulin like growth factor 1; minus strand). Cytogenetic location: 12q23.2.
Variant type: single nucleotide variant.
Coding change: c.*306A>G on transcript NM_000618.5 (MANE Select); 306 bases downstream of the stop codon, A replaced by G.
Molecular consequence: 3 prime UTR variant.
Genome position (GRCh38, 1-based): chr12:102,402,201, T>C on the plus strand (A>G on the coding strand, the complement: IGF1 is on the minus strand). VCF-style: chr12-102402201-T-C. GRCh37 (hg19) VCF-style: chr12-102795979-T-C.
Other names: c.*340A>G (NM_001111283.3); c.*306A>G (NM_001111284.2).
Identifiers: ClinVar variation 883127 (VCV000883127.4), dbSNP rs544965448, ClinGen allele CA242631149.